The following is an entry in ClinVar:

NM_000726.5(CACNB4):c.*528A>T

Gene: CACNB4 (calcium voltage-gated channel auxiliary subunit beta 4; minus strand). Cytogenetic location: 2q23.3.
Variant type: single nucleotide variant.
Coding change: c.*528A>T on transcript NM_000726.5 (MANE Select); 528 bases downstream of the stop codon, A replaced by T.
Molecular consequence: 3 prime UTR variant.
Genome position (GRCh38, 1-based): chr2:151,838,591, T>A on the plus strand (A>T on the coding strand, the complement: CACNB4 is on the minus strand). VCF-style: chr2-151838591-T-A. GRCh37 (hg19) VCF-style: chr2-152695105-T-A.
Other names: c.*528A>T (NM_001005746.4, NM_001005747.4, NM_001145798.3 and 7 more transcripts).
Identifiers: ClinVar variation 331622 (VCV000331622.6), dbSNP rs111999910, ClinGen allele CA10611431.

ClinVar aggregate classification (germline): Benign (1 of 4 stars; one submission).

Conditions:
Episodic ataxia type 5. Identifiers: Orphanet 211067, MedGen C1866039, MONDO:0013464, OMIM 613855.

Allele frequency attached by ClinVar (database versions not stated): gnomAD 0.00770 and 0.00814; 1000 Genomes Project 30x 0.00843; TOPMed 0.00870; 1000 Genomes Project 0.00919.

Submission:

Illumina Laboratory Services, Illumina
Classification: Benign for Episodic ataxia type 5. Last evaluated: 2018-01-13. Review status: criteria provided, single submitter. Criteria: ICSL Variant Classification Criteria 13 December 2019. Collection method: clinical testing. Allele origin: germline.
Comment: This variant was observed in the ICSL laboratory as part of a predisposition screen in an ostensibly healthy population. It had not been previously curated by ICSL or reported in the Human Gene Mutation Database (HGMD: prior to June 1st, 2018), and was therefore a candidate for classification through an automated scoring system. Utilizing variant allele frequency, disease prevalence and penetrance estimates, and inheritance mode, an automated score was calculated to assess if this variant is too frequent to cause the disease. Based on the score and internal cut-off values, a variant classified as benign is not then subjected to further curation. The score for this variant resulted in a classification of benign for this disease.